The following is an entry in ClinVar:

ClinVar aggregate classification (germline): Uncertain significance. Review status: criteria provided, multiple submitters, no conflicts (2 of 4 stars). 5 submissions from 5 submitters: Uncertain significance (5). Last evaluated 2025-06-18.

Conditions:
Cardiomyopathy (CMYO). Also called: Cardiomyopathies. Identifiers: Orphanet 167848, MedGen C0878544, MONDO:0004994, HP:0001638. Inheritance: Various modes of inheritance.
Hypertrophic cardiomyopathy. Also called: HYPERTROPHIC MYOCARDIOPATHY. Identifiers: Orphanet 217569, MedGen C0007194, MeSH D002312, MONDO:0005045, HP:0001639.

Allele frequency attached by ClinVar (database versions not stated): TOPMed below 0.00001; ExAC 0.00001.
gnomAD v4.1: 3 of 1,613,992 alleles (0.00019%); highest among the groups gnomAD compares: South Asian, 0.0033%; no homozygotes.

Submissions (5):

Color Diagnostics, LLC DBA Color Health
Classification: Uncertain significance for Cardiomyopathy. Last evaluated: 2025-06-18. Review status: criteria provided, single submitter. Criteria: ACMG Guidelines, 2015. Collection method: clinical testing. Allele origin: germline.
Comment: This missense variant replaces alanine with glutamic acid at codon 1263 of the MYH7 protein. Computational prediction suggests that this variant may not impact protein structure and function. To our knowledge, functional studies have not been reported for this variant. This variant has been reported in an individual affected with dilated cardiomyopathythis individual also carried a pathogenic variant in the TNNT2 gene (PMID: 20800588, 21846512). This variant has been identified in 2/251446 chromosomes in the general population by the Genome Aggregation Database (gnomAD). The available evidence is insufficient to determine the role of this variant in disease conclusively. Therefore, this variant is classified as a Variant of Uncertain Significance.

Revvity Omics, Revvity
Classification: Uncertain significance. Last evaluated: 2024-05-23. Review status: criteria provided, single submitter. Criteria: ACMG Guidelines, 2015. Collection method: clinical testing. Allele origin: germline.

Labcorp Genetics (formerly Invitae), Labcorp
Classification: Uncertain significance for Hypertrophic cardiomyopathy. Last evaluated: 2023-11-24. Review status: criteria provided, single submitter. Criteria: Invitae Variant Classification Sherloc (09022015). Collection method: clinical testing. Allele origin: germline.
Comment: This sequence change replaces alanine, which is neutral and non-polar, with glutamic acid, which is acidic and polar, at codon 1263 of the MYH7 protein (p.Ala1263Glu). This variant is present in population databases (rs758889483, gnomAD 0.003%). This missense change has been observed in individual(s) with clinical features of MYH7-related conditions (PMID: 20800588, 21846512). ClinVar contains an entry for this variant (Variation ID: 1171724). Advanced modeling of protein sequence and biophysical properties (such as structural, functional, and spatial information, amino acid conservation, physicochemical variation, residue mobility, and thermodynamic stability) performed at Invitae indicates that this missense variant is not expected to disrupt MYH7 protein function with a negative predictive value of 95%. In summary, the available evidence is currently insufficient to determine the role of this variant in disease. Therefore, it has been classified as a Variant of Uncertain Significance.

All of Us Research Program, National Institutes of Health
Classification: Uncertain significance for Cardiomyopathy. Last evaluated: 2023-04-10. Review status: criteria provided, single submitter. Criteria: ACMG Guidelines, 2015. Collection method: clinical testing. Allele origin: germline. Inheritance: Autosomal dominant inheritance. Observed: 2 variant alleles, 2 heterozygotes.
Comment: This missense variant replaces alanine with glutamic acid at codon 1263 of the MYH7 protein. Computational prediction suggests that this variant may not impact protein structure and function (internally defined REVEL score threshold <= 0.5, PMID: 27666373). To our knowledge, functional studies have not been reported for this variant. This variant has been reported in one individual affected with dilated cardiomyopathy (PMID: 21846512). The individual has a pathogenic co-variant TNNT2 c.421C>T p.Arg141Trp (ClinVar variation ID:12415). This variant has been identified in 2/251446 chromosomes in the general population by the Genome Aggregation Database (gnomAD). The available evidence is insufficient to determine the role of this variant in disease conclusively. Therefore, this variant is classified as a Variant of Uncertain Significance.

This study involves interpretation of variants in research participants for the purpose of population health screening. Participant phenotype was not available at the time of variant classification. Additional details can be found in publication PMID: 35346344, PMCID: PMC8962531

CHEO Genetics Diagnostic Laboratory, Children's Hospital of Eastern Ontario
Classification: Uncertain significance for Cardiomyopathy. Last evaluated: 2021-10-26. Review status: criteria provided, single submitter. Criteria: ACMG Guidelines, 2015. Collection method: clinical testing. Allele origin: germline.

Literature cited by the submitters: PubMed 20800588 (cited by Color Diagnostics, LLC DBA Color Health and Labcorp Genetics (formerly Invitae), Labcorp); PubMed 21846512 (cited by 3 submitters).

NM_000257.4(MYH7):c.3788C>A (p.Ala1263Glu)

Gene: MYH7 (myosin heavy chain 7; minus strand). Cytogenetic location: 14q11.2.
Variant type: single nucleotide variant.
Coding change: c.3788C>A on transcript NM_000257.4 (MANE Select); coding-DNA position 3788, C replaced by A.
Protein change: p.Ala1263Glu; replaces alanine 1263 with glutamic acid.
Molecular consequence: missense variant.
Genome position (GRCh38, 1-based): chr14:23,419,548, G>T on the plus strand (C>A on the coding strand, the complement: MYH7 is on the minus strand). VCF-style: chr14-23419548-G-T. GRCh37 (hg19) VCF-style: chr14-23888757-G-T.
Other names: c.3788C>A (NM_000257.2); short protein forms A1263E.
Identifiers: ClinVar variation 1171724 (VCV001171724.12), dbSNP rs758889483, ClinGen allele CA038858.
Genomic context (GRCh38, chr14:23,419,548, plus strand): 5'-TCGGTTTGCAACTTGGCCCGCTGGCTGGTGAGGTCGTTGACAGAACGCTGGGTCTCCTCC[G>T]CCTTGCTCCGGTGCTCATTCATCTGGTCTTCCAAGGTCCGGCACATCTTCTCCAGGTTAG-3'
Protein context (NP_000248.2, residues 1253-1273): EDQMNEHRSK[Ala1263Glu]EETQRSVNDL